The following is an entry in ClinVar:

NM_000071.3(CBS):c.*681A>G

Gene: CBS (cystathionine beta-synthase; minus strand). Cytogenetic location: 21q22.3.
Variant type: single nucleotide variant.
Coding change: c.*681A>G on transcript NM_000071.3 (MANE Select); 681 bases downstream of the stop codon, A replaced by G.
Molecular consequence: 3 prime UTR variant.
Genome position (GRCh38, 1-based): chr21:43,053,199, T>C on the plus strand (A>G on the coding strand, the complement: CBS is on the minus strand). VCF-style: chr21-43053199-T-C. GRCh37 (hg19) VCF-style: chr21-44473309-T-C.
Other names: c.*681A>G (NM_001178008.3, NM_001320298.2, NM_001321072.1); c.*467A>G (NM_001178009.3).
Identifiers: ClinVar variation 895620 (VCV000895620.6), dbSNP rs111413325, ClinGen allele CA321683976.

ClinVar aggregate classification (germline): Benign/Likely benign. Review status: criteria provided, multiple submitters, no conflicts (2 of 4 stars). 3 submissions from 3 submitters: Benign (1); Likely benign (2). Last evaluated 2021-05-25.

Conditions:
Classic homocystinuria. Also called: Homocystinuria due to CBS deficiency; Cystathionine beta-synthase deficiency; CBS deficiency; Homocystinuria due to Cystathionine Beta-Synthase Deficiency; HOMOCYSTINURIA WITH OR WITHOUT RESPONSE TO PYRIDOXINE. Identifiers: Orphanet 394, MedGen C0751202, MONDO:0009352, OMIM 236200.

Allele frequency attached by ClinVar (database versions not stated): 1000 Genomes Project 0.00739.

Submissions (3):

GeneDx
Classification: Likely benign. Last evaluated: 2021-05-25. Review status: criteria provided, single submitter. Criteria: GeneDx Variant Classification Process June 2021. Collection method: clinical testing. Allele origin: germline. Affected: yes.

Illumina Laboratory Services, Illumina
Classification: Benign for Classic homocystinuria. Last evaluated: 2018-01-12. Review status: criteria provided, single submitter. Criteria: ICSL Variant Classification Criteria 13 December 2019. Collection method: clinical testing. Allele origin: germline.
Comment: This variant was observed in the ICSL laboratory as part of a predisposition screen in an ostensibly healthy population. It had not been previously curated by ICSL or reported in the Human Gene Mutation Database (HGMD: prior to June 1st, 2018), and was therefore a candidate for classification through an automated scoring system. Utilizing variant allele frequency, disease prevalence and penetrance estimates, and inheritance mode, an automated score was calculated to assess if this variant is too frequent to cause the disease. Based on the score and internal cut-off values, a variant classified as benign is not then subjected to further curation. The score for this variant resulted in a classification of benign for this disease.

Breakthrough Genomics
Classification: Likely benign. Review status: criteria provided, single submitter. Criteria: ACMG Guidelines, 2015. Collection method: not provided. Allele origin: germline. Inheritance: Autosomal recessive inheritance. Affected: yes.